The following is an entry in ClinVar:

ClinVar aggregate classification (germline): Uncertain significance. Review status: criteria provided, multiple submitters, no conflicts (2 of 4 stars). 2 submissions from 2 submitters: Uncertain significance (2). Last evaluated 2025-11-17.

Conditions:
Hereditary spastic paraplegia 54. Also called: Spastic paraplegia 54, autosomal recessive. Identifiers: Orphanet 320380, MedGen C3539495, MONDO:0014018, OMIM 615033.
Inborn genetic diseases. Identifiers: MedGen C0950123, MeSH D030342.

Allele frequency attached by ClinVar (database versions not stated): TOPMed 0.00006; gnomAD 0.00005; ESP Exome Variant Server 0.00015.
gnomAD v4.1: 32 of 1,592,288 alleles (0.002%); highest among the groups gnomAD compares: Middle Eastern, 0.017%; no homozygotes.

Submissions (2):

Labcorp Genetics (formerly Invitae), Labcorp
Classification: Uncertain significance for Hereditary spastic paraplegia 54. Last evaluated: 2025-11-17. Review status: criteria provided, single submitter. Criteria: Invitae Variant Classification Sherloc (09022015). Collection method: clinical testing. Allele origin: germline.
Comment: This sequence change replaces methionine, which is neutral and non-polar, with valine, which is neutral and non-polar, at codon 448 of the DDHD2 protein (p.Met448Val). This variant is present in population databases (rs150297742, gnomAD 0.01%). This variant has not been reported in the literature in individuals affected with DDHD2-related conditions. ClinVar contains an entry for this variant (Variation ID: 2723635). An algorithm developed to predict the effect of missense changes on protein structure and function outputs the following: PolyPhen-2: "Benign". The valine amino acid residue is found in multiple mammalian species, which suggests that this missense change does not adversely affect protein function. Algorithms developed to predict the effect of sequence changes on RNA splicing suggest that this variant may disrupt the consensus splice site. In summary, the available evidence is currently insufficient to determine the role of this variant in disease. Therefore, it has been classified as a Variant of Uncertain Significance.

Ambry Genetics
Classification: Uncertain significance for Inborn genetic diseases. Last evaluated: 2025-08-04. Review status: criteria provided, single submitter. Criteria: Ambry Variant Classification Scheme 2023. Collection method: clinical testing. Allele origin: germline.

NM_015214.3(DDHD2):c.1342A>G (p.Met448Val)

Gene: DDHD2 (DDHD domain containing 2; plus strand). Cytogenetic location: 8p11.23.
Variant type: single nucleotide variant.
Coding change: c.1342A>G on transcript NM_015214.3 (MANE Select); coding-DNA position 1342, A replaced by G.
Protein change: p.Met448Val; replaces methionine 448 with valine.
Molecular consequence: missense variant. On other transcripts: non-coding transcript variant (2).
Genome position (GRCh38, 1-based): chr8:38,249,801, A>G. VCF-style: chr8-38249801-A-G. GRCh37 (hg19) VCF-style: chr8-38107319-A-G.
Other names: c.1342A>G, p.Met448Val (NM_001164232.2, NM_001362911.2, NM_001362912.2 and 1 more transcripts); c.1252A>G, p.Met418Val (NM_001362913.2); c.1342A>G (NM_015214.2); short protein forms M418V, M448V.
Identifiers: ClinVar variation 2723635 (VCV002723635.4), dbSNP rs150297742, ClinGen allele CA4716220.